The following is an entry in ClinVar:

ClinVar aggregate classification (germline): Likely pathogenic (1 of 4 stars; one submission).

Conditions:
Multiple sulfatase deficiency (MSD). Also called: Mucosulfatidosis; Multiple Sulfatase Deficiency Disease; Sulfatidosis, Juvenile, Austin Type. Identifiers: Orphanet 585, MedGen C0268263, MONDO:0010088, OMIM 272200.

Submission:

Natera, Inc.
Classification: Likely pathogenic for Multiple sulfatase deficiency. Last evaluated: 2024-05-24. Review status: criteria provided, single submitter. Criteria: Natera Variant Classification Schema (03/2026). Collection method: clinical testing. Allele origin: germline.
Comment: The c.955-22_959delinsT variant in SUMF1 is a deletion-insertion (delins) variant predicted to replace one or more nucleotides with a different sequence, affecting a canonical splice acceptor site. This variant is expected to result in nonsense mediated decay, truncation, or a dysfunctional protein product. This variant is rare in the general population with a frequency below the threshold expected for the associated phenotype(s). Given the available evidence, this variant is classified as Likely Pathogenic.

NM_182760.4(SUMF1):c.955-22_959delinsT

Gene: SUMF1 (sulfatase modifying factor 1; minus strand). Cytogenetic location: 3p26.1.
Variant type: Indel.
Coding change: c.955-22_959delinsT on transcript NM_182760.4 (MANE Select); 22 bases into the intron before coding-DNA position 955 through coding-DNA position 959, AGCCTTTTTTCTTCATCTGTAGAAAGG replaced by T.
Molecular consequence: splice acceptor variant. On other transcripts: intron variant (1).
Genome position (GRCh38, 1-based): chr3:4,376,385-4,376,411, CCTTTCTACAGATGAAGAAAAAAGGCT replaced by A on the plus strand (AGCCTTTTTTCTTCATCTGTAGAAAGG replaced by T on the coding strand, the reverse complement: SUMF1 is on the minus strand). VCF-style: chr3-4376385-CCTTTCTACAGATGAAGAAAAAAGGCT-A. GRCh37 (hg19) VCF-style: chr3-4418069-CCTTTCTACAGATGAAGAAAAAAGGCT-A.
Other names: c.880-22_884delinsT (NM_001164674.2); c.955-14157_955-14131delinsT (NM_001164675.2).
Identifiers: ClinVar variation 4817005 (VCV004817005.1).
Genomic context (GRCh38, chr3:4,376,385, plus strand): 5'-CTTACCCTATGGCACATGTAGGATCCACCTTTCTTCACTCGGTCTTTCCCAGAAGGGGGA[CCTTTCTACAGATGAAGAAAAAAGGCT>A]ATGTTAGACCAGAAGGCAAAGCTGCCCCTTACACAGTGGGAGAGAATCCACTTTGATCCA-3'